The following is an entry in ClinVar:

ClinVar aggregate classification (germline): Uncertain significance (1 of 4 stars; one submission).

gnomAD v4.1: 1 of 1,613,140 alleles (0.000062%); no homozygotes.

Submission:

GeneDx
Classification: Uncertain significance. Last evaluated: 2022-10-19. Review status: criteria provided, single submitter. Criteria: GeneDx Variant Classification Process June 2021. Collection method: clinical testing. Allele origin: germline. Affected: yes.
Comment: In silico analysis supports that this missense variant has a deleterious effect on protein structure/function; Has not been previously published as pathogenic or benign to our knowledge

NM_001031710.3(KLHL7):c.437G>T (p.Cys146Phe)

Gene: KLHL7 (kelch like family member 7; plus strand). Cytogenetic location: 7p15.3.
Variant type: single nucleotide variant.
Coding change: c.437G>T on transcript NM_001031710.3 (MANE Select); coding-DNA position 437, G replaced by T.
Protein change: p.Cys146Phe; replaces cysteine 146 with phenylalanine.
Molecular consequence: missense variant. On other transcripts: non-coding transcript variant (2).
Genome position (GRCh38, 1-based): chr7:23,125,167, G>T. VCF-style: chr7-23125167-G-T. GRCh37 (hg19) VCF-style: chr7-23164786-G-T.
Other names: c.437G>T, p.Cys146Phe (NM_001172428.2); c.293G>T, p.Cys98Phe (NM_018846.5); short protein forms C146F, C98F.
Identifiers: ClinVar variation 2500502 (VCV002500502.1), dbSNP rs1393224299, ClinGen allele CA366975777.